The following is an entry in ClinVar:

ClinVar aggregate classification (germline): Pathogenic/Likely pathogenic. Review status: criteria provided, multiple submitters, no conflicts (2 of 4 stars). 3 submissions from 3 submitters: Pathogenic (2); Likely pathogenic (1). Last evaluated 2025-10-27.

Conditions:
Citrullinemia. Identifiers: Orphanet 187, MedGen C0175683, MONDO:0015991.
Citrullinemia type I (CTNL1). Also called: argininosuccinate synthetase deficiency; ASS DEFICIENCY. Identifiers: Orphanet 247525, MedGen C4721769, MONDO:0008988, OMIM 215700.

Submissions (3):

Natera, Inc.
Classification: Pathogenic for Citrullinemia type I. Last evaluated: 2025-10-27. Review status: criteria provided, single submitter. Criteria: Natera Variant Classification Schema (03/2026). Collection method: clinical testing. Allele origin: germline.
Comment: The c.460_467delTTCAAGGG variant in ASS1 is a frameshift variant predicted to shift the reading frame beginning at codon 154 and leads to a stop codon 3 codons downstream. This variant is expected to result in nonsense mediated decay, truncation, or a dysfunctional protein product. This variant is rare in the general population with a frequency below the threshold expected for the associated phenotype(s). This variant has been observed in one or more individuals affected with the associated recessive disease, as either homozygous or compound heterozygous with a second variant (PMID: 28111830). Given the available evidence, this variant is classified as Pathogenic.

Labcorp Genetics (formerly Invitae), Labcorp
Classification: Pathogenic for Citrullinemia. Last evaluated: 2023-06-28. Review status: criteria provided, single submitter. Criteria: Invitae Variant Classification Sherloc (09022015). Collection method: clinical testing. Allele origin: germline.
Comment: This variant is not present in population databases (gnomAD no frequency). For these reasons, this variant has been classified as Pathogenic. ClinVar contains an entry for this variant (Variation ID: 633047). This variant is also known as p.G156X. This premature translational stop signal has been observed in individual(s) with citrullinemia type I (PMID: 19006241, 28111830). This sequence change creates a premature translational stop signal (p.Phe154Profs*3) in the ASS1 gene. It is expected to result in an absent or disrupted protein product. Loss-of-function variants in ASS1 are known to be pathogenic (PMID: 18473344, 19006241).

Women's Health and Genetics/Laboratory Corporation of America, LabCorp
Classification: Likely pathogenic for Citrullinemia type I. Last evaluated: 2017-09-11. Review status: criteria provided, single submitter. Criteria: LabCorp Variant Classification Summary - May 2015. Collection method: clinical testing. Allele origin: germline.
Comment: Variant summary: The ASS1 c.460_467delTTCAAGGG (p.Phe154ProfsX3) variant results in a premature termination codon, predicted to cause a truncated or absent ASS1 protein due to nonsense mediated decay, which are commonly known mechanisms for disease. Truncations downstream of this position have been classified as pathogenic by our laboratory (e.g. c.892delG, p.Glu298fsX18). One in silico tool predicts a damaging outcome for this variant. This variant is absent in 120842 control chromosomes and has been reported in at least 2 affected individuals in the literature (Engel, 2009; Diez-Fernandez, 2017). Taken together, this variant is classified as likely pathogenic.

Literature cited by the submitters: PubMed 28111830 (cited by 3 submitters); PubMed 19006241 (cited by Labcorp Genetics (formerly Invitae), Labcorp and Women's Health and Genetics/Laboratory Corporation of America, LabCorp); PubMed 18473344 (cited by Labcorp Genetics (formerly Invitae), Labcorp); PubMed 24508627 (cited by Women's Health and Genetics/Laboratory Corporation of America, LabCorp).

NM_054012.4(ASS1):c.460_467del (p.Phe154fs)

Gene: ASS1 (argininosuccinate synthase 1; plus strand). Cytogenetic location: 9q34.11.
Variant type: Deletion.
Coding change: c.460_467del on transcript NM_054012.4 (MANE Select); coding-DNA positions 460 to 467, 8 bases deleted (TTCAAGGG; older notation c.460_467delTTCAAGGG).
Protein change: p.Phe154fs; shifts the reading frame from phenylalanine 154.
Molecular consequence: frameshift variant.
Genome position (GRCh38, 1-based): chr9:130,466,764-130,466,771, TTCAAGGG deleted; deleting any 8 consecutive bases within chr9:130,466,762-130,466,771 gives the same sequence; the c. name uses the placement nearest the transcript's 3' end. VCF-style (leftmost placement, unchanged base first): chr9-130466761-CGGTTCAAG-C. GRCh37 (hg19) VCF-style: chr9-133342148-CGGTTCAAG-C.
Other names: c.460_467del, p.Phe154fs (NM_000050.4); c.460_467delTTCAAGGG (NM_000050.4); short protein forms F154fs.
Identifiers: ClinVar variation 633047 (VCV000633047.16), dbSNP rs1004492719, ClinGen allele CA200614073.